The following is an entry in ClinVar:

ClinVar aggregate classification (germline): Uncertain significance (1 of 4 stars; one submission).

Submission:

Labcorp Genetics (formerly Invitae), Labcorp
Classification: Uncertain significance. Last evaluated: 2024-12-07. Review status: criteria provided, single submitter. Criteria: Invitae Variant Classification Sherloc (09022015). Collection method: clinical testing. Allele origin: germline.
Comment: This sequence change replaces glutamic acid, which is acidic and polar, with lysine, which is basic and polar, at codon 231 of the RBM10 protein (p.Glu231Lys). This variant is not present in population databases (gnomAD no frequency). This variant has not been reported in the literature in individuals affected with RBM10-related conditions. Invitae Evidence Modeling of protein sequence and biophysical properties (such as structural, functional, and spatial information, amino acid conservation, physicochemical variation, residue mobility, and thermodynamic stability) indicates that this missense variant is not expected to disrupt RBM10 protein function with a negative predictive value of 80%. In summary, the available evidence is currently insufficient to determine the role of this variant in disease. Therefore, it has been classified as a Variant of Uncertain Significance.

NM_005676.5(RBM10):c.691G>A (p.Glu231Lys)

Genes: RBM10 (RNA binding motif protein 10; plus strand), LOC126863252 (CDK7 strongly-dependent group 2 enhancer GRCh37_chrX:47037923-47039122; plus strand). Cytogenetic location: Xp11.3.
Variant type: single nucleotide variant.
Coding change: c.691G>A on transcript NM_005676.5 (MANE Select); coding-DNA position 691, G replaced by A.
Protein change: p.Glu231Lys; replaces glutamic acid 231 with lysine.
Molecular consequence: missense variant.
Genome position (GRCh38, 1-based): chrX:47,179,130, G>A. VCF-style: chrX-47179130-G-A. GRCh37 (hg19) VCF-style: chrX-47038529-G-A.
Other names: c.460G>A, p.Glu154Lys (NM_001204466.2, NM_152856.3); c.691G>A, p.Glu231Lys (NM_001204467.2); c.886G>A, p.Glu296Lys (NM_001204468.2); short protein forms E154K, E231K, E296K.
Identifiers: ClinVar variation 3631070 (VCV003631070.2).